The following is an entry in ClinVar:

ClinVar aggregate classification (germline): Uncertain significance (1 of 4 stars; one submission).

Conditions:
Early-infantile DEE. Also called: Early infantile epileptic encephalopathy; Early infantile epileptic encephalopathy with suppression bursts; Ohtahara syndrome. Identifiers: Orphanet 1934, MedGen C0393706, MONDO:0800491.

Allele frequency attached by ClinVar (database versions not stated): TOPMed below 0.00001.

Submission:

Labcorp Genetics (formerly Invitae), Labcorp
Classification: Uncertain significance for Early-infantile DEE. Last evaluated: 2023-12-13. Review status: criteria provided, single submitter. Criteria: Invitae Variant Classification Sherloc (09022015). Collection method: clinical testing. Allele origin: germline.
Comment: This sequence change replaces serine, which is neutral and polar, with threonine, which is neutral and polar, at codon 725 of the HCN1 protein (p.Ser725Thr). This variant is not present in population databases (gnomAD no frequency). This variant has not been reported in the literature in individuals affected with HCN1-related conditions. Advanced modeling of protein sequence and biophysical properties (such as structural, functional, and spatial information, amino acid conservation, physicochemical variation, residue mobility, and thermodynamic stability) performed at Invitae indicates that this missense variant is not expected to disrupt HCN1 protein function with a negative predictive value of 80%. In summary, the available evidence is currently insufficient to determine the role of this variant in disease. Therefore, it has been classified as a Variant of Uncertain Significance.

NM_021072.4(HCN1):c.2173T>A (p.Ser725Thr)

Gene: HCN1 (hyperpolarization activated cyclic nucleotide gated potassium channel 1; minus strand). Cytogenetic location: 5p12.
Variant type: single nucleotide variant.
Coding change: c.2173T>A on transcript NM_021072.4 (MANE Select); coding-DNA position 2173, T replaced by A.
Protein change: p.Ser725Thr; replaces serine 725 with threonine.
Molecular consequence: missense variant.
Genome position (GRCh38, 1-based): chr5:45,262,421, A>T on the plus strand (T>A on the coding strand, the complement: HCN1 is on the minus strand). VCF-style: chr5-45262421-A-T. GRCh37 (hg19) VCF-style: chr5-45262523-A-T.
Other names: short protein forms S725T.
Identifiers: ClinVar variation 2800362 (VCV002800362.3), dbSNP rs1383923470, ClinGen allele CA359703905.